The following is an entry in ClinVar:

NM_000834.5(GRIN2B):c.1345G>T (p.Glu449Ter)

Gene: GRIN2B (glutamate ionotropic receptor NMDA type subunit 2B; minus strand). Cytogenetic location: 12p13.1.
Variant type: single nucleotide variant.
Coding change: c.1345G>T on transcript NM_000834.5 (MANE Select); coding-DNA position 1345, G replaced by T.
Protein change: p.Glu449Ter; replaces glutamic acid 449 with a stop codon.
Molecular consequence: nonsense.
Genome position (GRCh38, 1-based): chr12:13,615,648, C>A on the plus strand (G>T on the coding strand, the complement: GRIN2B is on the minus strand). VCF-style: chr12-13615648-C-A. GRCh37 (hg19) VCF-style: chr12-13768582-C-A.
Other names: short protein forms E449*.
Identifiers: ClinVar variation 544230 (VCV000544230.2), dbSNP rs1555112186, ClinGen allele CA384052387.

ClinVar aggregate classification (germline): Pathogenic (1 of 4 stars; one submission).

Conditions:
Intellectual developmental disorder, autosomal dominant 6, with or without seizures. Also called: Intellectual disability, autosomal dominant 6; GRIN2B-related developmental delay, intellectual disability and autism spectrum disorder. Identifiers: Orphanet 589547, MedGen C3151411, MONDO:0013509, OMIM 613970.
Developmental and epileptic encephalopathy, 27 (DEE27). Also called: Epileptic encephalopathy, early infantile, 27; GRIN2B-Related Neurodevelopmental Disorder. Identifiers: Orphanet 3451, MedGen C4015316, MONDO:0014505, OMIM 616139.

Submission:

Labcorp Genetics (formerly Invitae), Labcorp
Classification: Pathogenic for Developmental and epileptic encephalopathy, 27; Mental retardation, autosomal dominant 6. Last evaluated: 2019-02-19. Review status: criteria provided, single submitter. Criteria: Invitae Variant Classification Sherloc (09022015). Collection method: clinical testing. Allele origin: germline.
Comment: This sequence change creates a premature translational stop signal (p.Glu449*) in the GRIN2B gene. It is expected to result in an absent or disrupted protein product. This variant is not present in population databases (ExAC no frequency). This variant has not been reported in the literature in individuals with GRIN2B-related conditions. Loss-of-function variants in GRIN2B are known to be pathogenic (PMID: 28377535). For these reasons, this variant has been classified as Pathogenic.